The following is an entry in ClinVar:

ClinVar aggregate classification (germline): Uncertain significance. Review status: criteria provided, multiple submitters, no conflicts (2 of 4 stars). 2 submissions from 2 submitters: Uncertain significance (2). Last evaluated 2023-10-20.

Conditions:
Inborn genetic diseases. Identifiers: MedGen C0950123, MeSH D030342.

Allele frequency attached by ClinVar (database versions not stated): TOPMed below 0.00001; gnomAD 0.00001; ESP Exome Variant Server 0.00008.

Submissions (2):

Ambry Genetics
Classification: Uncertain significance for Inborn genetic diseases. Last evaluated: 2023-10-20. Review status: criteria provided, single submitter. Criteria: Ambry Variant Classification Scheme 2023. Collection method: clinical testing. Allele origin: germline.

Labcorp Genetics (formerly Invitae), Labcorp
Classification: Uncertain significance. Last evaluated: 2022-08-24. Review status: criteria provided, single submitter. Criteria: Invitae Variant Classification Sherloc (09022015). Collection method: clinical testing. Allele origin: germline.
Comment: This sequence change replaces isoleucine, which is neutral and non-polar, with valine, which is neutral and non-polar, at codon 1812 of the VCAN protein (p.Ile1812Val). This variant is present in population databases (rs144492806, gnomAD 0.002%). In summary, the available evidence is currently insufficient to determine the role of this variant in disease. Therefore, it has been classified as a Variant of Uncertain Significance. Algorithms developed to predict the effect of missense changes on protein structure and function output the following: SIFT: "Tolerated"; PolyPhen-2: "Benign"; Align-GVGD: "Class C0". The valine amino acid residue is found in multiple mammalian species, which suggests that this missense change does not adversely affect protein function. ClinVar contains an entry for this variant (Variation ID: 1354147). This variant has not been reported in the literature in individuals affected with VCAN-related conditions.

NM_004385.5(VCAN):c.5434A>G (p.Ile1812Val)

Genes: VCAN (versican; plus strand), VCAN-AS1 (VCAN antisense RNA 1; minus strand). Cytogenetic location: 5q14.3.
Variant type: single nucleotide variant.
Coding change: c.5434A>G on transcript NM_004385.5 (MANE Select); coding-DNA position 5434, A replaced by G.
Protein change: p.Ile1812Val; replaces isoleucine 1812 with valine.
Molecular consequence: missense variant. On other transcripts: intron variant (2).
Genome position (GRCh38, 1-based): chr5:83,538,437, A>G. VCF-style: chr5-83538437-A-G. GRCh37 (hg19) VCF-style: chr5-82834256-A-G.
Other names: c.2473A>G, p.Ile825Val (NM_001164097.2); c.4004-7100A>G (NM_001164098.2); c.1043-7100A>G (NM_001126336.3); c.5434A>G (NM_004385.4); short protein forms I825V, I1812V.
Identifiers: ClinVar variation 1354147 (VCV001354147.9), dbSNP rs144492806, ClinGen allele CA121809462.